The following is an entry in ClinVar:

ClinVar aggregate classification (germline): Uncertain significance (1 of 4 stars; one submission).

gnomAD v4.1: 16 of 1,613,558 alleles (0.00099%); highest among the groups gnomAD compares: South Asian, 0.0011%; no homozygotes.

Submission:

GeneDx
Classification: Uncertain significance. Last evaluated: 2025-02-07. Review status: criteria provided, single submitter. Criteria: GeneDx Variant Classification Process June 2021. Collection method: clinical testing. Allele origin: germline. Affected: yes.
Comment: Reported previously as a maternally inherited variant in a patient with dizziness and mild calcification in bilateral globus pallidus; the mother also had mild calcification in bilateral globus pallidus but was reported as asymptomatic (PMID: 28298627); Published functional studies demonstrate no damaging effect (PMID: 34494111); In silico analysis indicates that this missense variant does not alter protein structure/function; This variant is associated with the following publications: (PMID: 34494111, 28298627, 30609140)

NM_002609.4(PDGFRB):c.2209G>A (p.Asp737Asn)

Gene: PDGFRB (platelet derived growth factor receptor beta; minus strand). Cytogenetic location: 5q32.
Variant type: single nucleotide variant.
Coding change: c.2209G>A on transcript NM_002609.4 (MANE Select); coding-DNA position 2209, G replaced by A.
Protein change: p.Asp737Asn; replaces aspartic acid 737 with asparagine.
Molecular consequence: missense variant.
Genome position (GRCh38, 1-based): chr5:150,122,015, C>T on the plus strand (G>A on the coding strand, the complement: PDGFRB is on the minus strand). VCF-style: chr5-150122015-C-T. GRCh37 (hg19) VCF-style: chr5-149501578-C-T.
Other names: c.2017G>A, p.Asp673Asn (NM_001355016.2); c.1726G>A, p.Asp576Asn (NM_001355017.2); short protein forms D576N, D673N, D737N.
Identifiers: ClinVar variation 4074354 (VCV004074354.1).